The following is an entry in ClinVar:

ClinVar aggregate classification (germline): Uncertain significance. Review status: criteria provided, multiple submitters, no conflicts (2 of 4 stars). 2 submissions from 2 submitters: Uncertain significance (2). Last evaluated 2025-04-11.

Conditions:
Inborn genetic diseases. Identifiers: MedGen C0950123, MeSH D030342.

Allele frequency attached by ClinVar (database versions not stated): gnomAD exomes 0.00001; ExAC 0.00003.
gnomAD v4.1: 16 of 1,611,408 alleles (0.00099%); highest among the groups gnomAD compares: Non-Finnish European, 0.0014%; no homozygotes.

Submissions (2):

Ambry Genetics
Classification: Uncertain significance for Inborn genetic diseases. Last evaluated: 2025-04-11. Review status: criteria provided, single submitter. Criteria: Ambry Variant Classification Scheme 2023. Collection method: clinical testing. Allele origin: germline.

Labcorp Genetics (formerly Invitae), Labcorp
Classification: Uncertain significance. Last evaluated: 2022-07-10. Review status: criteria provided, single submitter. Criteria: Invitae Variant Classification Sherloc (09022015). Collection method: clinical testing. Allele origin: germline.
Comment: Algorithms developed to predict the effect of missense changes on protein structure and function (SIFT, PolyPhen-2, Align-GVGD) all suggest that this variant is likely to be tolerated. This variant has not been reported in the literature in individuals affected with WDR62-related conditions. This variant is present in population databases (rs758904650, gnomAD 0.007%). This sequence change replaces alanine, which is neutral and non-polar, with threonine, which is neutral and polar, at codon 1304 of the WDR62 protein (p.Ala1304Thr). In summary, the available evidence is currently insufficient to determine the role of this variant in disease. Therefore, it has been classified as a Variant of Uncertain Significance.

NM_001083961.2(WDR62):c.3910G>A (p.Ala1304Thr)

Gene: WDR62 (WD repeat domain 62; plus strand). Cytogenetic location: 19q13.12.
Variant type: single nucleotide variant.
Coding change: c.3910G>A on transcript NM_001083961.2 (MANE Select); coding-DNA position 3910, G replaced by A.
Protein change: p.Ala1304Thr; replaces alanine 1304 with threonine.
Molecular consequence: missense variant.
Genome position (GRCh38, 1-based): chr19:36,103,738, G>A. VCF-style: chr19-36103738-G-A. GRCh37 (hg19) VCF-style: chr19-36594640-G-A.
Other names: c.3895G>A, p.Ala1299Thr (NM_001411145.1, NM_173636.5); c.3661G>A, p.Ala1221Thr (NM_001411146.1); c.3559G>A, p.Ala1187Thr (NM_001411147.1); c.3910G>A (NM_001083961.1); short protein forms A1187T, A1304T, A1299T, A1221T.
Identifiers: ClinVar variation 1918835 (VCV001918835.6), dbSNP rs758904650, ClinGen allele CA9396415.